The following is an entry in ClinVar:

NM_000070.3(CAPN3):c.2319dup (p.His774fs)

Gene: CAPN3 (calpain 3; plus strand). Cytogenetic location: 15q15.1.
Variant type: Duplication.
Coding change: c.2319dup on transcript NM_000070.3 (MANE Select); coding-DNA position 2319, one base duplicated (A; older notation c.2319dupA).
Protein change: p.His774fs; shifts the reading frame from histidine 774.
Molecular consequence: frameshift variant.
Genome position (GRCh38, 1-based): chr15:42,410,939, A duplicated; the last of 3 consecutive A bases (chr15:42,410,937-42,410,939); duplicating any one gives the same sequence. VCF-style (leftmost placement, unchanged base first): chr15-42410936-C-CA. GRCh37 (hg19) VCF-style: chr15-42703134-C-CA.
Other names: c.2301dup, p.His768fs (NM_024344.2); c.2043dup, p.His682fs (NM_173087.2); c.783dup, p.His262fs (NM_173088.2); c.324dup, p.His109fs (NM_173089.2, NM_173090.2); c.*1417dup (NM_212464.2); c.*1994dup (NM_212467.2); short protein forms H682fs, H774fs, H109fs, H262fs, H768fs.
Identifiers: ClinVar variation 2585299 (VCV002585299.1), dbSNP rs2548294450, ClinGen allele CA2582342611.

ClinVar aggregate classification (germline): Likely pathogenic (1 of 4 stars; one submission).

Conditions:
Muscular dystrophy, limb-girdle, autosomal dominant 4. Also called: Calpain-3-related limb-girdle muscular dystrophy D4; MUSCULAR DYSTROPHY, LIMB-GIRDLE, TYPE 1I. Identifiers: Orphanet 565909, MedGen C4748295, MONDO:0029133, OMIM 618129.

Submission:

Neuberg Centre For Genomic Medicine, NCGM
Classification: Likely pathogenic for Muscular dystrophy, limb-girdle, autosomal dominant 4. Review status: criteria provided, single submitter. Criteria: ACMG Guidelines, 2015. Collection method: clinical testing. Allele origin: germline. Inheritance: Autosomal dominant inheritance. Affected: yes.
Comment: The frame shift c.2319dup (p.His774ThrfsTer7) variant has not been reported previously as a pathogenic variant nor as a benign variant, to our knowledge. The p.His774ThrfsTer7 variant is novel (not in any individuals) in gnomAD Exomes and 1000 Genomes. This variant is predicted to cause loss of normal protein function through protein truncation. Loss of function variants have been previously reported to be disease causing. For these reasons, this variant has been classified as Likely Pathogenic.